The following is an entry in ClinVar:

NM_001903.5(CTNNA1):c.2642del (p.Lys881fs)

Gene: CTNNA1 (catenin alpha 1; plus strand). Cytogenetic location: 5q31.2.
Variant type: Deletion.
Coding change: c.2642del on transcript NM_001903.5 (MANE Select); coding-DNA position 2642, one base deleted (A; older notation c.2642delA).
Protein change: p.Lys881fs; shifts the reading frame from lysine 881.
Molecular consequence: frameshift variant. On other transcripts: 3 prime UTR variant (5).
Genome position (GRCh38, 1-based): chr5:138,934,010, A deleted; the last of 2 consecutive A bases (chr5:138,934,009-138,934,010); deleting either gives the same sequence. VCF-style (leftmost placement, unchanged base first): chr5-138934008-CA-C. GRCh37 (hg19) VCF-style: chr5-138269697-CA-C.
Other names: c.*187del (NM_001290307.3, NM_001324002.1, NM_001324003.1 and 2 more transcripts); c.2333del, p.Lys778fs (NM_001290309.3); c.2273del, p.Lys758fs (NM_001290310.3); c.1532del, p.Lys511fs (NM_001290312.1, NM_001323987.1, NM_001323988.1 and 12 more transcripts); c.2642del, p.Lys881fs (NM_001323982.2, NM_001323983.1, NM_001323984.2); c.2615del, p.Lys872fs (NM_001323985.2); c.2549del, p.Lys850fs (NM_001323986.2); c.1397del, p.Lys466fs (NM_001324001.1); and 3 more; short protein forms K430fs, K466fs, K758fs, K850fs, K480fs, K511fs, K872fs, K778fs.
Identifiers: ClinVar variation 2563281 (VCV002563281.3), dbSNP rs2533955910, ClinGen allele CA2580613677.

ClinVar aggregate classification (germline): Uncertain significance (1 of 4 stars; one submission).

Conditions:
Hereditary cancer-predisposing syndrome. Also called: Neoplastic Syndromes, Hereditary; Hereditary Cancer Syndrome; Hereditary neoplastic syndrome; Tumor predisposition. Identifiers: Orphanet 140162, MedGen C0027672, MeSH D009386, MONDO:0015356.

Submission:

Ambry Genetics
Classification: Uncertain significance for Hereditary cancer-predisposing syndrome. Last evaluated: 2025-06-10. Review status: criteria provided, single submitter. Criteria: Ambry Variant Classification Scheme 2023. Collection method: clinical testing. Allele origin: germline.
Comment: The c.2642delA variant, located in coding exon 17 of the CTNNA1 gene, results from a deletion of one nucleotide at nucleotide position 2642, causing a translational frameshift with a predicted alternate stop codon (p.K881Rfs*11). This alteration occurs at the 3' terminus of theCTNNA1 gene, is not expected to trigger nonsense-mediated mRNAdecay, and impacts the last 26 amino acids of the protein. The exact functional effect of this alteration is unknown. Based on the available evidence, the clinical significance of this variant remains unclear.